The following is an entry in ClinVar:

NM_003322.6(TULP1):c.1430_1453del (p.Leu477_Thr484del)

Gene: TULP1 (TUB like protein 1; minus strand). Cytogenetic location: 6p21.31.
Variant type: Deletion.
Coding change: c.1430_1453del on transcript NM_003322.6 (MANE Select); coding-DNA positions 1430 to 1453, 24 bases deleted (TCAACTTCCAAGGCCGGGTCACCC).
Protein change: p.Leu477_Thr484del.
Molecular consequence: inframe deletion.
Genome position (GRCh38, 1-based): chr6:35,500,023-35,500,046, GGGTGACCCGGCCTTGGAAGTTGA deleted on the plus strand (TCAACTTCCAAGGCCGGGTCACCC on the coding strand, the reverse complement: TULP1 is on the minus strand); deleting any 24 consecutive bases within chr6:35,500,023-35,500,051 gives the same sequence; the c. name uses the placement nearest the transcript's 3' end. VCF-style (leftmost placement, unchanged base first): chr6-35500022-TGGGTGACCCGGCCTTGGAAGTTGA-T. GRCh37 (hg19) VCF-style: chr6-35467799-TGGGTGACCCGGCCTTGGAAGTTGA-T.
Other names: c.1271_1294del, p.Leu424_Thr431del (NM_001289395.2).
Identifiers: ClinVar variation 1409684 (VCV001409684.6), dbSNP rs1768797517, ClinGen allele CA1620928965.

ClinVar aggregate classification (germline): Pathogenic (1 of 4 stars; one submission).

Submission:

Labcorp Genetics (formerly Invitae), Labcorp
Classification: Pathogenic. Last evaluated: 2023-05-08. Review status: criteria provided, single submitter. Criteria: Invitae Variant Classification Sherloc (09022015). Collection method: clinical testing. Allele origin: germline.
Comment: For these reasons, this variant has been classified as Pathogenic. This variant disrupts a region of the TULP1 protein in which other variant(s) (p.Arg482Trp) have been determined to be pathogenic (PMID: 17620573, 23661368). This suggests that this is a clinically significant region of the protein, and that variants that disrupt it are likely to be disease-causing. ClinVar contains an entry for this variant (Variation ID: 1409684). This variant has not been reported in the literature in individuals affected with TULP1-related conditions. This variant is not present in population databases (gnomAD no frequency). This variant, c.1430_1453del, results in the deletion of 8 amino acid(s) of the TULP1 protein (p.Leu477_Thr484del), but otherwise preserves the integrity of the reading frame.

Literature cited by the submitters: PubMed 17620573; PubMed 23661368.